The following is an entry in ClinVar:

ClinVar aggregate classification (germline): Uncertain significance (1 of 4 stars; one submission).

Submission:

Labcorp Genetics (formerly Invitae), Labcorp
Classification: Uncertain significance. Last evaluated: 2023-11-12. Review status: criteria provided, single submitter. Criteria: Invitae Variant Classification Sherloc (09022015). Collection method: clinical testing. Allele origin: germline.
Comment: This variant, c.2297_2299del, results in the deletion of 1 amino acid(s) of the KMT2B protein (p.Pro766del), but otherwise preserves the integrity of the reading frame. This variant is not present in population databases (gnomAD no frequency). This variant has not been reported in the literature in individuals affected with KMT2B-related conditions. Experimental studies and prediction algorithms are not available or were not evaluated, and the functional significance of this variant is currently unknown. In summary, the available evidence is currently insufficient to determine the role of this variant in disease. Therefore, it has been classified as a Variant of Uncertain Significance.

NM_014727.3(KMT2B):c.2294CAC[1] (p.Pro766del)

Gene: KMT2B (lysine methyltransferase 2B; plus strand). Cytogenetic location: 19q13.12.
Variant type: Microsatellite.
Coding change: c.2294CAC[1] on transcript NM_014727.3 (MANE Select); one copy of the 3-base unit CAC starting at c.2294; the reference has two copies in a row; one copy, 3 bases deleted.
Protein change: p.Pro766del; deletes proline 766.
Molecular consequence: inframe deletion.
Genome position (GRCh38, 1-based): chr19:35,721,644-35,721,646, CAC deleted; deleting any 3 consecutive bases within chr19:35,721,641-35,721,646 gives the same sequence; the position shown is the placement nearest the transcript's 3' end. VCF-style (leftmost placement, unchanged base first): chr19-35721640-TCAC-T. GRCh37 (hg19) VCF-style: chr19-36212542-TCAC-T.
Other names: short protein forms P766del.
Identifiers: ClinVar variation 2713289 (VCV002713289.3), dbSNP rs888198827, ClinGen allele CA307783763.